The following is an entry in ClinVar:

NM_000419.5(ITGA2B):c.2819T>G (p.Leu940Arg)

Gene: ITGA2B (integrin subunit alpha 2b; minus strand). Cytogenetic location: 17q21.31.
Variant type: single nucleotide variant.
Coding change: c.2819T>G on transcript NM_000419.5 (MANE Select); coding-DNA position 2819, T replaced by G.
Protein change: p.Leu940Arg; replaces leucine 940 with arginine.
Molecular consequence: missense variant.
Genome position (GRCh38, 1-based): chr17:44,375,020, A>C on the plus strand (T>G on the coding strand, the complement: ITGA2B is on the minus strand). VCF-style: chr17-44375020-A-C. GRCh37 (hg19) VCF-style: chr17-42452388-A-C.
Other names: short protein forms L940R.
Identifiers: ClinVar variation 2584931 (VCV002584931.1), dbSNP rs1415702396, ClinGen allele CA399791682.

ClinVar aggregate classification (germline): Uncertain significance (1 of 4 stars; one submission).

Conditions:
Glanzmann thrombasthenia 1 (GT1). Also called: BLEEDING DISORDER, PLATELET-TYPE, 2; GP IIb-IIIa COMPLEX DEFICIENCY; GLYCOPROTEIN COMPLEX IIb-IIIa DEFICIENCY; PLATELET FIBRINOGEN RECEPTOR DEFICIENCY. Identifiers: MedGen CN300358, MONDO:0031332, OMIM 273800.

Submission:

Neuberg Centre For Genomic Medicine, NCGM
Classification: Uncertain significance for Glanzmann thrombasthenia 1. Review status: criteria provided, single submitter. Criteria: ACMG Guidelines, 2015. Collection method: clinical testing. Allele origin: germline. Inheritance: Autosomal recessive inheritance. Affected: yes.
Comment: The missense variant p.L940R in ITGA2B (NM_000419.5) has not been reported previously as a pathogenic variant nor as a benign variant, to our knowledge. The p.L940R variant is novel (not in any individuals) in gnomAD Exomes and is novel (not in any individuals) in 1000 Genomes. There is a moderate physicochemical difference between leucine and arginine. The variant is predicted to be damaging by both SIFT and PolyPhen2. The residue is conserved across species. The amino acid change p.Leu940Arg in ITGA2B is predicted as conserved by GERP++ and PhyloP across 100 vertebrates. For these reasons, this variant has been classified as Uncertain Significance.